The following is an entry in ClinVar:

ClinVar aggregate classification (germline): Uncertain significance (1 of 4 stars; one submission).

Conditions:
Frontotemporal dementia (FTD1). Also called: Frontotemporal Dementia with Parkinsonism-17 (FTDP-17); Frontotemporal lobe dementia (FLDEM); WILHELMSEN-LYNCH DISEASE; FRONTOTEMPORAL LOBAR DEGENERATION WITH TAU INCLUSIONS; FTLD WITH TAU INCLUSIONS; Dementia, frontotemporal, with or without parkinsonism. Identifiers: Orphanet 282, MedGen C0338451, MONDO:0017276, OMIM 600274, HP:0002145.

Submission:

Labcorp Genetics (formerly Invitae), Labcorp
Classification: Uncertain significance for Frontotemporal dementia. Last evaluated: 2021-08-03. Review status: criteria provided, single submitter. Criteria: Invitae Variant Classification Sherloc (09022015). Collection method: clinical testing. Allele origin: germline.
Comment: This sequence change creates a premature translational stop signal (p.Asp193Serfs*71) in the MAPT gene. It is expected to result in an absent or disrupted protein product. However, the current clinical and genetic evidence is not sufficient to establish whether loss-of-function variants in MAPT cause disease. This variant is not present in population databases (ExAC no frequency). This variant has not been reported in the literature in individuals affected with MAPT-related conditions. In summary, the available evidence is currently insufficient to determine the role of this variant in disease. Therefore, it has been classified as a Variant of Uncertain Significance.

NM_001377265.1(MAPT):c.1749_1750del (p.Asp585fs)

Gene: MAPT (microtubule associated protein tau). Cytogenetic location: 17q21.31.
Variant type: Deletion.
Coding change: c.1749_1750del on transcript NM_001377265.1 (MANE Select); coding-DNA positions 1749 to 1750, 2 bases deleted.
Protein change: p.Asp585fs; shifts the reading frame from aspartic acid 585.
Molecular consequence: frameshift variant.
Genome position: GRCh38 VCF-style: chr17-45996414-CAG-C. GRCh37 (hg19) VCF-style: chr17-44073780-CAG-C.
Other names: c.573_574del, p.Asp193fs (NM_001203252.2, NM_005910.6); c.1551_1552del, p.Asp519fs (NM_001377266.1); c.486_487del, p.Asp164fs (NM_001377267.1, NM_001123067.4, NM_001203251.2); c.399_400del, p.Asp135fs (NM_001377268.1, NM_016834.5, NM_016841.5); c.1524_1525del, p.Asp510fs (NM_016835.5); c.1578_1579del, p.Asp528fs (NM_001123066.4); short protein forms D135fs, D528fs, D510fs, D585fs, D164fs, D193fs, D519fs.
Identifiers: ClinVar variation 1509861 (VCV001509861.6), dbSNP rs2145830963, ClinGen allele CA2573153981.
Genomic context (GRCh38, chr17:45,996,414, plus strand): 5'-CCCACCCACTCGAGTCCTGGCTTCACTCCCTTCCTTCCTTCCCAGGTGAACCTCCAAAAT[CAG>C]GGGATCGCAGCGGCTACAGCAGCCCCGGCTCCCCAGGCACTCCCGGCAGCCGCTCCCGCA-3'